The following is an entry in ClinVar:

NM_001791.4(CDC42):c.559A>G (p.Arg187Gly)

Gene: CDC42 (cell division cycle 42; plus strand). Cytogenetic location: 1p36.12.
Variant type: single nucleotide variant.
Coding change: c.559A>G on transcript NM_001791.4 (MANE Select); coding-DNA position 559, A replaced by G.
Protein change: p.Arg187Gly; replaces arginine 187 with glycine.
Molecular consequence: missense variant.
Genome position (GRCh38, 1-based): chr1:22,091,500, A>G. VCF-style: chr1-22091500-A-G. GRCh37 (hg19) VCF-style: chr1-22417993-A-G.
Other names: c.559A>G, p.Arg187Gly (NM_001039802.2); short protein forms R187G.
Identifiers: ClinVar variation 4729779 (VCV004729779.1).

ClinVar aggregate classification (germline): Uncertain significance (1 of 4 stars; one submission).

gnomAD v4.1: 1 of 1,612,676 alleles (0.000062%); highest among the groups gnomAD compares: Non-Finnish European, 0.000085%; no homozygotes.

Submission:

Labcorp Genetics (formerly Invitae), Labcorp
Classification: Uncertain significance. Last evaluated: 2025-08-09. Review status: criteria provided, single submitter. Criteria: Invitae Variant Classification Sherloc (09022015). Collection method: clinical testing. Allele origin: germline.
Comment: This sequence change replaces arginine, which is basic and polar, with glycine, which is neutral and non-polar, at codon 187 of the CDC42 protein (p.Arg187Gly). This variant is not present in population databases (gnomAD no frequency). This variant has not been reported in the literature in individuals affected with CDC42-related conditions. An algorithm developed to predict the effect of missense changes on protein structure and function (PolyPhen-2) suggests that this variant is likely to be tolerated. In summary, the available evidence is currently insufficient to determine the role of this variant in disease. Therefore, it has been classified as a Variant of Uncertain Significance.